The following is an entry in ClinVar:

NM_004415.4(DSP):c.6448G>A (p.Ala2150Thr)

Gene: DSP (desmoplakin; plus strand). Cytogenetic location: 6p24.3.
Variant type: single nucleotide variant.
Coding change: c.6448G>A on transcript NM_004415.4 (MANE Select); coding-DNA position 6448, G replaced by A.
Protein change: p.Ala2150Thr; replaces alanine 2150 with threonine.
Molecular consequence: missense variant.
Genome position (GRCh38, 1-based): chr6:7,583,710, G>A. VCF-style: chr6-7583710-G-A. GRCh37 (hg19) VCF-style: chr6-7583943-G-A.
Other names: c.4651G>A, p.Ala1551Thr (NM_001008844.3); c.5119G>A, p.Ala1707Thr (NM_001319034.2); short protein forms A2150T, A1551T, A1707T.
Identifiers: ClinVar variation 918265 (VCV000918265.5), dbSNP rs1759533337, ClinGen allele CA362690816.
Genomic context (GRCh38, chr6:7,583,710, plus strand): 5'-GCTTCAGGGGGTGTAGTAGACCCTGTGAACAGTGTCTTTTTGCCAAAAGATGTCGCCTTG[G>A]CCCGGGGGCTGATTGATAGAGATTTGTATCGATCCCTGAATGATCCCCGAGATAGTCAGA-3'
Protein context (NP_004406.2, residues 2140-2160): SVFLPKDVAL[Ala2150Thr]RGLIDRDLYR

ClinVar aggregate classification (germline): Uncertain significance (1 of 4 stars; one submission).

Conditions:
Cardiomyopathy (CMYO). Also called: Cardiomyopathies. Identifiers: Orphanet 167848, MedGen C0878544, MONDO:0004994, HP:0001638. Inheritance: Various modes of inheritance.

Submission:

Color Diagnostics, LLC DBA Color Health
Classification: Uncertain significance for Cardiomyopathy. Last evaluated: 2023-12-05. Review status: criteria provided, single submitter. Criteria: ACMG Guidelines, 2015. Collection method: clinical testing. Allele origin: germline.
Comment: This missense variant replaces alanine with threonine at codon 2150 of the DSP protein. Computational prediction tools and conservation analyses are inconclusive regarding the impact of this variant on the protein function. Computational splicing tools suggest that this variant may not impact RNA splicing. To our knowledge, functional assays have not been performed for this variant nor has this variant been reported in individuals affected with cardiovascular disorders in the literature. This variant has not been identified in the general population by the Genome Aggregation Database (gnomAD). Available evidence is insufficient to determine the role of this variant in disease conclusively. Therefore, this variant is classified as a Variant of Uncertain Significance.